The following is an entry in ClinVar:

ClinVar aggregate classification (germline): Uncertain significance (1 of 4 stars; one submission).

Submission:

GeneDx
Classification: Uncertain significance. Last evaluated: 2023-10-18. Review status: criteria provided, single submitter. Criteria: GeneDx Variant Classification Process June 2021. Collection method: clinical testing. Allele origin: germline. Affected: yes.
Comment: Not observed at significant frequency in large population cohorts (gnomAD); In silico analysis supports that this missense variant does not alter protein structure/function; Has not been previously published as pathogenic or benign to our knowledge

NM_182931.3(KMT2E):c.1454A>G (p.Tyr485Cys)

Gene: KMT2E (lysine methyltransferase 2E (inactive); plus strand). Cytogenetic location: 7q22.3.
Variant type: single nucleotide variant.
Coding change: c.1454A>G on transcript NM_182931.3 (MANE Select); coding-DNA position 1454, A replaced by G.
Protein change: p.Tyr485Cys; replaces tyrosine 485 with cysteine.
Molecular consequence: missense variant.
Genome position (GRCh38, 1-based): chr7:105,090,104, A>G. VCF-style: chr7-105090104-A-G. GRCh37 (hg19) VCF-style: chr7-104730551-A-G.
Other names: c.1454A>G, p.Tyr485Cys (NM_001410908.1, NM_018682.4); short protein forms Y485C.
Identifiers: ClinVar variation 3366027 (VCV003366027.1).